The following is an entry in ClinVar:

NM_178335.3(CCDC50):c.113-4C>G

Gene: CCDC50 (coiled-coil domain containing 50; plus strand). Cytogenetic location: 3q28.
Variant type: single nucleotide variant.
Coding change: c.113-4C>G on transcript NM_178335.3 (MANE Select); 4 bases into the intron before coding-DNA position 113, C replaced by G.
Molecular consequence: intron variant.
Genome position (GRCh38, 1-based): chr3:191,357,994, C>G. VCF-style: chr3-191357994-C-G. GRCh37 (hg19) VCF-style: chr3-191075783-C-G.
Other names: c.113-4C>G (NM_174908.4).
Identifiers: ClinVar variation 505681 (VCV000505681.7), dbSNP rs145892736, ClinGen allele CA2755160.

ClinVar aggregate classification (germline): Likely benign. Review status: criteria provided, multiple submitters, no conflicts (2 of 4 stars). 3 submissions from 3 submitters: Likely benign (3). Last evaluated 2024-07-31.

Allele frequency attached by ClinVar (database versions not stated): gnomAD exomes 0.00006 and 0.00007; ExAC 0.00007; TOPMed 0.00008; 1000 Genomes Project 30x 0.00016; 1000 Genomes Project 0.00020.
gnomAD v4.1: 102 of 1,613,832 alleles (0.0063%); highest among the groups gnomAD compares: Middle Eastern, 0.017%; no homozygotes.

Submissions (3):

Labcorp Genetics (formerly Invitae), Labcorp
Classification: Likely benign. Last evaluated: 2024-07-31. Review status: criteria provided, single submitter. Criteria: Invitae Variant Classification Sherloc (09022015). Collection method: clinical testing. Allele origin: germline.

GeneDx
Classification: Likely benign. Last evaluated: 2020-11-06. Review status: criteria provided, single submitter. Criteria: GeneDx Variant Classification (06012015). Collection method: clinical testing. Allele origin: germline. Affected: yes.

Laboratory for Molecular Medicine, Mass General Brigham Personalized Medicine
Classification: Likely benign. Last evaluated: 2017-03-31. Review status: criteria provided, single submitter. Criteria: LMM Criteria. Collection method: clinical testing. Allele origin: germline. Observed: 1 variant allele.
Comment: c.113-4C>G in intron 2 of CCDC50: This variant is not expected to have clinical significance because it is not located within the splice consensus sequence. It has been identified in 9/66714 European chromosomes by the Exome Aggregation Con sortium (ExAC; dbSNP rs145892736).